The following is an entry in ClinVar:

ClinVar aggregate classification (germline): Conflicting classifications of pathogenicity. Review status: criteria provided, conflicting classifications (1 of 4 stars). 4 submissions from 4 submitters: Uncertain significance (2); Likely benign (1). 1 of the submissions does not count toward it. Last evaluated 2023-03-23.

Conditions:
Hereditary cancer-predisposing syndrome. Also called: Hereditary Cancer Syndrome; Neoplastic Syndromes, Hereditary; Hereditary neoplastic syndrome; Tumor predisposition. Identifiers: Orphanet 140162, MedGen C0027672, MeSH D009386, MONDO:0015356.
Hereditary breast ovarian cancer syndrome. Also called: Breast and ovarian cancer; Hereditary breast and/or ovarian cancer syndrome; Hereditary breast and ovarian cancer; Hereditary breast and ovarian cancer syndrome; Hereditary breast and ovarian cancer syndrome (HBOC); BRCA1- and BRCA2-Associated Hereditary Breast and Ovarian Cancer. Identifiers: Orphanet 145, MedGen C0677776, MeSH D061325, MONDO:0003582. Disease mechanism: loss of function.
Breast-ovarian cancer, familial, susceptibility to, 2 (BROVCA2). Also called: BRCA2 Hereditary Breast and Ovarian Cancer. Identifiers: Orphanet 145, MedGen C2675520, MONDO:0012933, OMIM 612555. Disease mechanism: loss of function.

Submissions (4):

University of Washington Department of Laboratory Medicine, University of Washington
Classification: Likely benign for Hereditary cancer-predisposing syndrome. Last evaluated: 2023-03-23. Review status: criteria provided, single submitter. Criteria: Dines et al. (Genet Med. 2020). Collection method: curation. Allele origin: germline.
Comment: Missense variant in a coldspot region where missense variants are very unlikely to be pathogenic (PMID:31911673).

BRCA2 exon 11 coldspot. Reclassification based on statistical prior probability.

Ambry Genetics
Classification: Uncertain significance for Hereditary cancer-predisposing syndrome. Last evaluated: 2022-05-26. Review status: criteria provided, single submitter. Criteria: Ambry Variant Classification Scheme 2023. Collection method: clinical testing. Allele origin: germline.
Comment: The p.G800S variant (also known as c.2398G>A), located in coding exon 10 of the BRCA2 gene, results from a G to A substitution at nucleotide position 2398. The glycine at codon 800 is replaced by serine, an amino acid with similar properties. This amino acid position is poorly conserved in available vertebrate species. In addition, this alteration is predicted to be tolerated by in silico analysis. Since supporting evidence is limited at this time, the clinical significance of this alteration remains unclear.

Labcorp Genetics (formerly Invitae), Labcorp
Classification: Uncertain significance for Hereditary breast ovarian cancer syndrome. Last evaluated: 2019-07-07. Review status: criteria provided, single submitter. Criteria: Invitae Variant Classification Sherloc (09022015). Collection method: clinical testing. Allele origin: germline.
Comment: This sequence change replaces glycine with serine at codon 800 of the BRCA2 protein (p.Gly800Ser). The glycine residue is weakly conserved and there is a small physicochemical difference between glycine and serine. This variant is not present in population databases (ExAC no frequency). This variant has not been reported in the literature in individuals with BRCA2-related conditions. ClinVar contains an entry for this variant (Variation ID: 96781). Algorithms developed to predict the effect of missense changes on protein structure and function output the following: SIFT: "Tolerated"; PolyPhen-2: "Benign"; Align-GVGD: "Class C0". The serine amino acid residue is found in multiple mammalian species, suggesting that this missense change does not adversely affect protein function. These predictions have not been confirmed by published functional studies and their clinical significance is uncertain. In summary, the available evidence is currently insufficient to determine the role of this variant in disease. Therefore, it has been classified as a Variant of Uncertain Significance.

Sharing Clinical Reports Project (SCRP)
Classification: Uncertain significance for Breast-ovarian cancer, familial 2. Last evaluated: 2012-04-26. Review status: no assertion criteria provided. Collection method: clinical testing. Allele origin: germline. Not counted in ClinVar's aggregate classification.

NM_000059.4(BRCA2):c.2398G>A (p.Gly800Ser)

Gene: BRCA2 (BRCA2 DNA repair associated; plus strand). Cytogenetic location: 13q13.1.
Variant type: single nucleotide variant.
Coding change: c.2398G>A on transcript NM_000059.4 (MANE Select); coding-DNA position 2398, G replaced by A.
Protein change: p.Gly800Ser; replaces glycine 800 with serine.
Molecular consequence: missense variant.
Genome position (GRCh38, 1-based): chr13:32,336,753, G>A. VCF-style: chr13-32336753-G-A. GRCh37 (hg19) VCF-style: chr13-32910890-G-A.
Other names: G800S; 2626G>A.
Identifiers: ClinVar variation 96781 (VCV000096781.15), dbSNP rs431825297, ClinGen allele CA015119.